The following is an entry in ClinVar:

NM_053025.4(MYLK):c.3203A>G (p.Lys1068Arg)

Gene: MYLK (myosin light chain kinase; minus strand). Cytogenetic location: 3q21.1.
Variant type: single nucleotide variant.
Coding change: c.3203A>G on transcript NM_053025.4 (MANE Select); coding-DNA position 3203, A replaced by G.
Protein change: p.Lys1068Arg; replaces lysine 1068 with arginine.
Molecular consequence: missense variant.
Genome position (GRCh38, 1-based): chr3:123,700,265, T>C on the plus strand (A>G on the coding strand, the complement: MYLK is on the minus strand). VCF-style: chr3-123700265-T-C. GRCh37 (hg19) VCF-style: chr3-123419112-T-C.
Other names: c.2675A>G, p.Lys892Arg (NM_001321309.2); c.2996A>G, p.Lys999Arg (NM_053026.4, NM_053028.4); c.3203A>G, p.Lys1068Arg (NM_053027.4); short protein forms K1068R, K892R, K999R.
Identifiers: ClinVar variation 471719 (VCV000471719.11), dbSNP rs148033472, ClinGen allele CA069438.

ClinVar aggregate classification (germline): Uncertain significance. Review status: criteria provided, multiple submitters, no conflicts (2 of 4 stars). 5 submissions from 5 submitters: Uncertain significance (5). Last evaluated 2025-11-11.

Conditions:
Familial thoracic aortic aneurysm and aortic dissection (TAAD). Also called: Thoracic aortic aneurysms and dissections. Identifiers: Orphanet 91387, MedGen C4707243, MONDO:0019625.
Aortic aneurysm, familial thoracic 7 (AAT7). Also called: AORTIC DISSECTION, FAMILIAL, WITH OR WITHOUT AORTIC ANEURYSM. Identifiers: MedGen C3151077, MONDO:0013418, OMIM 613780.

Allele frequency attached by ClinVar (database versions not stated): gnomAD exomes 0.00003 and 0.00001; TOPMed 0.00003; ESP Exome Variant Server 0.00008; gnomAD 0.00001; ExAC 0.00002.
gnomAD v4.1: 46 of 1,612,108 alleles (0.0029%); highest among the groups gnomAD compares: Non-Finnish European, 0.0037%; no homozygotes.

Submissions (5):

Labcorp Genetics (formerly Invitae), Labcorp
Classification: Uncertain significance for Aortic aneurysm, familial thoracic 7. Last evaluated: 2025-11-11. Review status: criteria provided, single submitter. Criteria: Invitae Variant Classification Sherloc (09022015). Collection method: clinical testing. Allele origin: germline.
Comment: This sequence change replaces lysine, which is basic and polar, with arginine, which is basic and polar, at codon 1068 of the MYLK protein (p.Lys1068Arg). This variant is present in population databases (rs148033472, gnomAD 0.0009%). This variant has not been reported in the literature in individuals affected with MYLK-related conditions. ClinVar contains an entry for this variant (Variation ID: 471719). Invitae Evidence Modeling of protein sequence and biophysical properties (such as structural, functional, and spatial information, amino acid conservation, physicochemical variation, residue mobility, and thermodynamic stability) indicates that this missense variant is not expected to disrupt MYLK protein function with a negative predictive value of 95%. In summary, the available evidence is currently insufficient to determine the role of this variant in disease. Therefore, it has been classified as a Variant of Uncertain Significance.

GeneDx
Classification: Uncertain significance. Last evaluated: 2025-05-05. Review status: criteria provided, single submitter. Criteria: GeneDx Variant Classification Process June 2021. Collection method: clinical testing. Allele origin: germline. Affected: yes.
Comment: Not observed at significant frequency in large population cohorts (gnomAD); In silico analysis suggests that this missense variant does not alter protein structure/function; Has not been previously published as pathogenic or benign to our knowledge

Ambry Genetics
Classification: Uncertain significance for Familial thoracic aortic aneurysm and aortic dissection. Last evaluated: 2023-12-16. Review status: criteria provided, single submitter. Criteria: Ambry Variant Classification Scheme 2023. Collection method: clinical testing. Allele origin: germline.

Blueprint Genetics
Classification: Uncertain significance. Last evaluated: 2023-05-02. Review status: criteria provided, single submitter. Criteria: ACMG Guidelines, 2015. Collection method: clinical testing. Allele origin: germline.

Women's Health and Genetics/Laboratory Corporation of America, LabCorp
Classification: Uncertain significance. Last evaluated: 2022-04-05. Review status: criteria provided, single submitter. Criteria: LabCorp Variant Classification Summary - May 2015. Collection method: clinical testing. Allele origin: germline.